The following is an entry in ClinVar:

NM_024757.5(EHMT1):c.421A>G (p.Ser141Gly)

Gene: EHMT1 (euchromatic histone lysine methyltransferase 1; plus strand). Cytogenetic location: 9q34.3.
Variant type: single nucleotide variant.
Coding change: c.421A>G on transcript NM_024757.5 (MANE Select); coding-DNA position 421, A replaced by G.
Protein change: p.Ser141Gly; replaces serine 141 with glycine.
Molecular consequence: missense variant.
Genome position (GRCh38, 1-based): chr9:137,716,961, A>G. VCF-style: chr9-137716961-A-G. GRCh37 (hg19) VCF-style: chr9-140611413-A-G.
Other names: c.421A>G, p.Ser141Gly (NM_001145527.2, NM_001354263.2, NM_001354611.2); c.328A>G, p.Ser110Gly (NM_001354259.2, NM_001354612.2); short protein forms S110G, S141G.
Identifiers: ClinVar variation 2795374 (VCV002795374.3), dbSNP rs2541035333, ClinGen allele CA375765024.

ClinVar aggregate classification (germline): Uncertain significance (1 of 4 stars; one submission).

Conditions:
Kleefstra syndrome 1 (KLEFS1). Identifiers: Orphanet 261494, MedGen C0795833, MONDO:0027407, OMIM 610253.

Submission:

Labcorp Genetics (formerly Invitae), Labcorp
Classification: Uncertain significance for Kleefstra syndrome 1. Last evaluated: 2024-01-20. Review status: criteria provided, single submitter. Criteria: Invitae Variant Classification Sherloc (09022015). Collection method: clinical testing. Allele origin: germline.
Comment: This sequence change replaces serine, which is neutral and polar, with glycine, which is neutral and non-polar, at codon 141 of the EHMT1 protein (p.Ser141Gly). This variant is not present in population databases (gnomAD no frequency). This variant has not been reported in the literature in individuals affected with EHMT1-related conditions. Algorithms developed to predict the effect of missense changes on protein structure and function output the following: SIFT: "Not Available"; PolyPhen-2: "Benign"; Align-GVGD: "Not Available". The glycine amino acid residue is found in multiple mammalian species, which suggests that this missense change does not adversely affect protein function. In summary, the available evidence is currently insufficient to determine the role of this variant in disease. Therefore, it has been classified as a Variant of Uncertain Significance.